The following is an entry in ClinVar:

NM_021785.6(RAI2):c.531G>A (p.Pro177=)

Gene: RAI2 (retinoic acid induced 2; minus strand). Cytogenetic location: Xp22.13.
Variant type: single nucleotide variant.
Coding change: c.531G>A on transcript NM_021785.6 (MANE Select); coding-DNA position 531, G replaced by A.
Protein change: p.Pro177=; no amino-acid change (proline 177 retained).
Molecular consequence: synonymous variant. On other transcripts: non-coding transcript variant (2).
Genome position (GRCh38, 1-based): chrX:17,801,480, C>T on the plus strand (G>A on the coding strand, the complement: RAI2 is on the minus strand). VCF-style: chrX-17801480-C-T. GRCh37 (hg19) VCF-style: chrX-17819600-C-T.
Other names: c.381G>A, p.Pro127= (NM_001172732.2); c.531G>A, p.Pro177= (NM_001172739.2, NM_001172743.2).
Identifiers: ClinVar variation 2660094 (VCV002660094.24), dbSNP rs199687946, ClinGen allele CA515640208.

ClinVar aggregate classification (germline): Likely benign (1 of 4 stars; one submission).

gnomAD v4.1: 7 of 1,176,108 alleles (0.0006%); highest among the groups gnomAD compares: South Asian, 0.0079%; no homozygotes.

Submission:

CeGaT Center for Human Genetics Tuebingen
Classification: Likely benign. Last evaluated: 2022-12-01. Review status: criteria provided, single submitter. Criteria: CeGaT Center For Human Genetics Tuebingen Variant Classification Criteria Version 2. Collection method: clinical testing. Allele origin: germline. Affected: yes. Observed: 1 variant allele.
Comment: RAI2: BP4, BP7